The following is an entry in ClinVar:

ClinVar aggregate classification (germline): Uncertain significance (1 of 4 stars; one submission).

Submission:

Labcorp Genetics (formerly Invitae), Labcorp
Classification: Uncertain significance. Last evaluated: 2024-09-02. Review status: criteria provided, single submitter. Criteria: Invitae Variant Classification Sherloc (09022015). Collection method: clinical testing. Allele origin: germline.
Comment: This sequence change creates a premature translational stop signal (p.Trp151*) in the NUP133 gene. It is expected to result in an absent or disrupted protein product. However, the current clinical and genetic evidence is not sufficient to establish whether loss-of-function variants in NUP133 cause disease. This variant is not present in population databases (gnomAD no frequency). This variant has not been reported in the literature in individuals affected with NUP133-related conditions. Algorithms developed to predict the effect of sequence changes on RNA splicing suggest that this variant may disrupt the consensus splice site. In summary, the available evidence is currently insufficient to determine the role of this variant in disease. Therefore, it has been classified as a Variant of Uncertain Significance.

NM_018230.3(NUP133):c.452G>A (p.Trp151Ter)

Gene: NUP133 (nucleoporin 133; minus strand). Cytogenetic location: 1q42.13.
Variant type: single nucleotide variant.
Coding change: c.452G>A on transcript NM_018230.3 (MANE Select); coding-DNA position 452, G replaced by A.
Protein change: p.Trp151Ter; replaces tryptophan 151 with a stop codon.
Molecular consequence: nonsense.
Genome position (GRCh38, 1-based): chr1:229,500,817, C>T on the plus strand (G>A on the coding strand, the complement: NUP133 is on the minus strand). VCF-style: chr1-229500817-C-T. GRCh37 (hg19) VCF-style: chr1-229636564-C-T.
Other names: short protein forms W151*.
Identifiers: ClinVar variation 3664270 (VCV003664270.2).
Genomic context (GRCh38, chr1:229,500,817, plus strand): 5'-TGAGTAGAATGTGCTTCACCTGAGGGAGAAGAGTAAGAAAGAGCCACTAAGTCGGCACTC[C>T]AGTGGAAATCACTAGGTGGCAGCTGAAGTTCTTTGCAAACGGATAACTGTAGAACAAACC-3'